The following is an entry in ClinVar:

NM_001046.3(SLC12A2):c.1220A>G (p.Asn407Ser)

Gene: SLC12A2 (solute carrier family 12 member 2; plus strand). Cytogenetic location: 5q23.3.
Variant type: single nucleotide variant.
Coding change: c.1220A>G on transcript NM_001046.3 (MANE Select); coding-DNA position 1220, A replaced by G.
Protein change: p.Asn407Ser; replaces asparagine 407 with serine.
Molecular consequence: missense variant. On other transcripts: non-coding transcript variant (1).
Genome position (GRCh38, 1-based): chr5:128,134,196, A>G. VCF-style: chr5-128134196-A-G. GRCh37 (hg19) VCF-style: chr5-127469888-A-G.
Other names: c.1220A>G, p.Asn407Ser (NM_001256461.2); short protein forms N407S.
Identifiers: ClinVar variation 2964986 (VCV002964986.3), dbSNP rs1279673787, ClinGen allele CA360742170.

ClinVar aggregate classification (germline): Uncertain significance (1 of 4 stars; one submission).

Allele frequency attached by ClinVar (database versions not stated): gnomAD exomes below 0.00001.
gnomAD v4.1: 3 of 1,599,942 alleles (0.00019%); highest among the groups gnomAD compares: South Asian, 0.0011%; no homozygotes.

Submission:

Labcorp Genetics (formerly Invitae), Labcorp
Classification: Uncertain significance. Last evaluated: 2023-12-26. Review status: criteria provided, single submitter. Criteria: Invitae Variant Classification Sherloc (09022015). Collection method: clinical testing. Allele origin: germline.
Comment: This sequence change replaces asparagine, which is neutral and polar, with serine, which is neutral and polar, at codon 407 of the SLC12A2 protein (p.Asn407Ser). This variant is present in population databases (no rsID available, gnomAD 0.003%). This variant has not been reported in the literature in individuals affected with SLC12A2-related conditions. Advanced modeling of protein sequence and biophysical properties (such as structural, functional, and spatial information, amino acid conservation, physicochemical variation, residue mobility, and thermodynamic stability) performed at Invitae indicates that this missense variant is not expected to disrupt SLC12A2 protein function with a negative predictive value of 80%. In summary, the available evidence is currently insufficient to determine the role of this variant in disease. Therefore, it has been classified as a Variant of Uncertain Significance.